The following is an entry in ClinVar:

NM_001164508.2(NEB):c.12C>G (p.Asp4Glu)

Gene: NEB (nebulin; minus strand). Cytogenetic location: 2q23.3.
Variant type: single nucleotide variant.
Coding change: c.12C>G on transcript NM_001164508.2 (MANE Select); coding-DNA position 12, C replaced by G.
Protein change: p.Asp4Glu; replaces aspartic acid 4 with glutamic acid.
Molecular consequence: missense variant.
Genome position (GRCh38, 1-based): chr2:151,733,145, G>C on the plus strand (C>G on the coding strand, the complement: NEB is on the minus strand). VCF-style: chr2-151733145-G-C. GRCh37 (hg19) VCF-style: chr2-152589659-G-C.
Other names: c.12C>G, p.Asp4Glu (NM_001164507.2, NM_001271208.2, NM_004543.5); short protein forms D4E.
Identifiers: ClinVar variation 1302277 (VCV001302277.26), dbSNP rs117178114, ClinGen allele CA348797759.

ClinVar aggregate classification (germline): Uncertain significance. Review status: criteria provided, multiple submitters, no conflicts (2 of 4 stars). 2 submissions from 2 submitters: Uncertain significance (2). Last evaluated 2023-09-01.

gnomAD v4.1: 3 of 1,603,778 alleles (0.00019%); highest among the groups gnomAD compares: Non-Finnish European, 0.00026%; no homozygotes.

Submissions (2):

CeGaT Center for Human Genetics Tuebingen
Classification: Uncertain significance. Last evaluated: 2023-09-01. Review status: criteria provided, single submitter. Criteria: CeGaT Center For Human Genetics Tuebingen Variant Classification Criteria Version 2. Collection method: clinical testing. Allele origin: germline. Affected: yes. Observed: 1 variant allele.
Comment: NEB: PM2, BP4

GeneDx
Classification: Uncertain significance. Last evaluated: 2019-07-09. Review status: criteria provided, single submitter. Criteria: GeneDx Variant Classification Process June 2021. Collection method: clinical testing. Allele origin: germline. Affected: yes.
Comment: Not observed in large population cohorts (Lek et al., 2016); In silico analysis, which includes protein predictors and evolutionary conservation, supports that this variant does not alter protein structure/function; Has not been previously published as pathogenic or benign to our knowledge